The following is an entry in ClinVar:

NM_020759.3(STARD9):c.9680C>T (p.Ala3227Val)

Gene: STARD9 (StAR related lipid transfer domain containing 9; plus strand). Cytogenetic location: 15q15.2.
Variant type: single nucleotide variant.
Coding change: c.9680C>T on transcript NM_020759.3 (MANE Select); coding-DNA position 9680, C replaced by T.
Protein change: p.Ala3227Val; replaces alanine 3227 with valine.
Molecular consequence: missense variant.
Genome position (GRCh38, 1-based): chr15:42,691,258, C>T. VCF-style: chr15-42691258-C-T. GRCh37 (hg19) VCF-style: chr15-42983456-C-T.
Other names: short protein forms A3227V.
Identifiers: ClinVar variation 3056400 (VCV003056400.2), dbSNP rs2505864471, ClinGen allele CA392070169.

ClinVar aggregate classification (germline): Uncertain significance (0 of 4 stars; one submission).

Conditions:
STARD9-related disorder. Also called: STARD9-related condition.

Submission:

PreventionGenetics, part of Exact Sciences
Classification: Uncertain significance for STARD9-related condition. Last evaluated: 2023-12-22. Review status: no assertion criteria provided. Collection method: clinical testing. Allele origin: germline.
Comment: The STARD9 c.9680C>T variant is predicted to result in the amino acid substitution p.Ala3227Val. To our knowledge, this variant has not been reported in the literature or in a large population database, indicating this variant is rare. At this time, the clinical significance of this variant is uncertain due to the absence of conclusive functional and genetic evidence.